The following is an entry in ClinVar:

NM_002715.4(PPP2CA):c.51_55dup (p.Glu19fs)

Genes: PPP2CA (protein phosphatase 2 catalytic subunit alpha; minus strand), MIR3661 (microRNA 3661; plus strand). Cytogenetic location: 5q31.1.
Variant type: Duplication.
Coding change: c.51_55dup on transcript NM_002715.4 (MANE Select); coding-DNA positions 51 to 55, 5 bases duplicated (GAACG; older notation c.51_55dupGAACG).
Protein change: p.Glu19fs; shifts the reading frame from glutamic acid 19.
Molecular consequence: frameshift variant. On other transcripts: non-coding transcript variant (1).
Genome position (GRCh38, 1-based): chr5:134,225,807-134,225,811, CGTTC duplicated on the plus strand (GAACG on the coding strand, the reverse complement: PPP2CA is on the minus strand). VCF-style (leftmost placement, unchanged base first): chr5-134225806-T-TCGTTC. GRCh37 (hg19) VCF-style: chr5-133561497-T-TCGTTC.
Other names: short protein forms E19fs.
Identifiers: ClinVar variation 1382033 (VCV001382033.6), dbSNP rs2149390347, ClinGen allele CA2573139031.

ClinVar aggregate classification (germline): Pathogenic (1 of 4 stars; one submission).

Submission:

Labcorp Genetics (formerly Invitae), Labcorp
Classification: Pathogenic. Last evaluated: 2021-09-17. Review status: criteria provided, single submitter. Criteria: Invitae Variant Classification Sherloc (09022015). Collection method: clinical testing. Allele origin: germline.
Comment: For these reasons, this variant has been classified as Pathogenic. This variant has not been reported in the literature in individuals affected with PPP2CA-related conditions. This variant is not present in population databases (ExAC no frequency). This sequence change creates a premature translational stop signal (p.Glu19Glyfs*23) in the PPP2CA gene. It is expected to result in an absent or disrupted protein product. Loss-of-function variants in PPP2CA are known to be pathogenic (PMID: 30595372).

Literature cited by the submitters: PubMed 30595372.